The following is an entry in ClinVar:

ClinVar aggregate classification (germline): Likely benign (1 of 4 stars; one submission).

Allele frequency attached by ClinVar (database versions not stated): gnomAD 0.00001; TOPMed 0.00002; gnomAD exomes 0.00003.
gnomAD v4.1: 8 of 397,336 alleles (0.002%); highest among the groups gnomAD compares: Non-Finnish European, 0.0036%; no homozygotes.

Submission:

CeGaT Center for Human Genetics Tuebingen
Classification: Likely benign. Last evaluated: 2022-03-01. Review status: criteria provided, single submitter. Criteria: CeGaT Center For Human Genetics Tuebingen Variant Classification Criteria Version 2. Collection method: clinical testing. Allele origin: germline. Affected: yes. Observed: 1 variant allele.
Comment: CSNK2A1: BP4, BP7

NM_177559.3(CSNK2A1):c.213+1479C>T

Gene: CSNK2A1 (casein kinase 2 alpha 1; minus strand). Cytogenetic location: 20p13.
Variant type: single nucleotide variant.
Coding change: c.213+1479C>T on transcript NM_177559.3 (MANE Select); 1479 bases into the intron after coding-DNA position 213, C replaced by T.
Molecular consequence: intron variant.
Genome position (GRCh38, 1-based): chr20:503,639, G>A on the plus strand (C>T on the coding strand, the complement: CSNK2A1 is on the minus strand). VCF-style: chr20-503639-G-A. GRCh37 (hg19) VCF-style: chr20-484283-G-A.
Other names: c.-196+1479C>T (NM_177560.3); c.213+1479C>T (NM_001362771.2, NM_001895.4, NM_001362770.2).
Identifiers: ClinVar variation 2652130 (VCV002652130.24), dbSNP rs1027489105, ClinGen allele CA310641498.